The following is an entry in ClinVar:

ClinVar aggregate classification (germline): Uncertain significance. Review status: criteria provided, multiple submitters, no conflicts (2 of 4 stars). 4 submissions from 4 submitters: Uncertain significance (3). 1 of the submissions does not count toward it. Last evaluated 2026-04-30.

Conditions:
Microcephaly, normal intelligence and immunodeficiency (NBS). Also called: IMMUNODEFICIENCY, MICROCEPHALY, AND CHROMOSOMAL INSTABILITY; Nijmegen breakage syndrome; Microcephaly with normal intelligence immunodeficiency and lymphoreticular malignancies; Nonsyndromal microcephaly autosomal recessive with normal intelligence; Seemanova syndrome 2; Immunodeficiency, microcephaly with normal intelligence. Identifiers: Orphanet 647, MedGen C0398791, MONDO:0009623, OMIM 251260.

Allele frequency attached by ClinVar (database versions not stated): gnomAD exomes below 0.00001.
gnomAD v4.1: 2 of 1,612,950 alleles (0.00012%); highest among the groups gnomAD compares: Non-Finnish European, 0.00017%; no homozygotes.

Submissions (4):

Myriad Genetics, Inc.
Classification: Uncertain significance for Microcephaly, normal intelligence and immunodeficiency. Last evaluated: 2026-04-30. Review status: criteria provided, single submitter. Criteria: Myriad Autosomal Dominant, Autosomal Recessive and X-Linked Classification Criteria (2023). Collection method: clinical testing. Allele origin: unknown.
Comment: NM_002485.4(NBN):c.221A>G(Y74C) is a missense variant classified as a variant of uncertain significance in the context of Nijmegen breakage syndrome. Y74C has not been observed in cases with relevant disease. Relevant functional assessments of this variant are not available in the literature. Y74C has not been observed in referenced population frequency databases. In summary, there is insufficient evidence to classify NM_002485.4(NBN):c.221A>G(Y74C) as pathogenic or benign. Please note: this variant was assessed in the context of healthy population screening.

Labcorp Genetics (formerly Invitae), Labcorp
Classification: Uncertain significance for Microcephaly, normal intelligence and immunodeficiency. Last evaluated: 2025-04-28. Review status: criteria provided, single submitter. Criteria: Invitae Variant Classification Sherloc (09022015). Collection method: clinical testing. Allele origin: germline.
Comment: This sequence change replaces tyrosine, which is neutral and polar, with cysteine, which is neutral and slightly polar, at codon 74 of the NBN protein (p.Tyr74Cys). This variant is not present in population databases (gnomAD no frequency). This missense change has been observed in individual(s) with NBN-related conditions (PMID: 36346689). ClinVar contains an entry for this variant (Variation ID: 411761). An algorithm developed to predict the effect of missense changes on protein structure and function (PolyPhen-2) suggests that this variant is likely to be disruptive. In summary, the available evidence is currently insufficient to determine the role of this variant in disease. Therefore, it has been classified as a Variant of Uncertain Significance.

Genome-Nilou Lab
Classification: Uncertain significance for Microcephaly, normal intelligence and immunodeficiency. Last evaluated: 2021-07-14. Review status: criteria provided, single submitter. Criteria: ACMG Guidelines, 2015. Collection method: clinical testing. Allele origin: germline. Affected: no.

Natera, Inc.
Classification: Uncertain significance for Nijmegen breakage syndrome. Last evaluated: 2020-03-11. Review status: no assertion criteria provided. Collection method: clinical testing. Allele origin: germline. Not counted in ClinVar's aggregate classification.

Literature cited by the submitters: PubMed 36346689 (cited by Labcorp Genetics (formerly Invitae), Labcorp).

NM_002485.5(NBN):c.221A>G (p.Tyr74Cys)

Gene: NBN (nibrin; minus strand). Cytogenetic location: 8q21.3.
Variant type: single nucleotide variant.
Coding change: c.221A>G on transcript NM_002485.5 (MANE Select); coding-DNA position 221, A replaced by G.
Protein change: p.Tyr74Cys; replaces tyrosine 74 with cysteine.
Molecular consequence: missense variant. On other transcripts: 5 prime UTR variant (1).
Genome position (GRCh38, 1-based): chr8:89,981,474, T>C on the plus strand (A>G on the coding strand, the complement: NBN is on the minus strand). VCF-style: chr8-89981474-T-C. GRCh37 (hg19) VCF-style: chr8-90993702-T-C.
Other names: c.-26A>G (NM_001024688.3); short protein forms Y74C.
Identifiers: ClinVar variation 411761 (VCV000411761.11), dbSNP rs1060503471, ClinGen allele CA16612555.